The following is an entry in ClinVar:

NM_015046.7(SETX):c.7479C>T (p.Ser2493=)

Gene: SETX (senataxin; minus strand). Cytogenetic location: 9q34.13.
Variant type: single nucleotide variant.
Coding change: c.7479C>T on transcript NM_015046.7 (MANE Select); coding-DNA position 7479, C replaced by T.
Protein change: p.Ser2493=; no amino-acid change (serine 2493 retained).
Molecular consequence: synonymous variant.
Genome position (GRCh38, 1-based): chr9:132,264,794, G>A on the plus strand (C>T on the coding strand, the complement: SETX is on the minus strand). VCF-style: chr9-132264794-G-A. GRCh37 (hg19) VCF-style: chr9-135140181-G-A.
Other names: p.Ser2493=; c.7479C>T, p.Ser2493= (NM_001351527.2); c.7566C>T, p.Ser2522= (NM_001351528.2).
Identifiers: ClinVar variation 4683443 (VCV004683443.1).

ClinVar aggregate classification (germline): Likely benign (1 of 4 stars; one submission).

gnomAD v4.1: 6 of 1,614,210 alleles (0.00037%); highest among the groups gnomAD compares: South Asian, 0.0066%; no homozygotes.

Submission:

Mayo Clinic Laboratories, Mayo Clinic
Classification: Likely benign. Last evaluated: 2025-05-27. Review status: criteria provided, single submitter. Criteria: ACMG Guidelines, 2015. Collection method: clinical testing. Allele origin: germline. Observed: 1 variant allele.
Comment: BP4, BP7